The following is an entry in ClinVar:

NM_001377229.1(DISP1):c.89C>T (p.Pro30Leu)

Gene: DISP1 (dispatched RND transporter family member 1; plus strand). Cytogenetic location: 1q41.
Variant type: single nucleotide variant.
Coding change: c.89C>T on transcript NM_001377229.1 (MANE Select); coding-DNA position 89, C replaced by T.
Protein change: p.Pro30Leu; replaces proline 30 with leucine.
Molecular consequence: missense variant. On other transcripts: 5 prime UTR variant (1).
Genome position (GRCh38, 1-based): chr1:222,942,912, C>T. VCF-style: chr1-222942912-C-T. GRCh37 (hg19) VCF-style: chr1-223116254-C-T.
Other names: c.-799C>T (NM_001350630.2); c.89C>T, p.Pro30Leu (NM_001369594.1, NM_001377228.1, NM_032890.5); short protein forms P30L.
Identifiers: ClinVar variation 421025 (VCV000421025.2), dbSNP rs780297875, ClinGen allele CA16617070.

ClinVar aggregate classification (germline): Uncertain significance (1 of 4 stars; one submission).

Submission:

GeneDx
Classification: Uncertain significance. Last evaluated: 2016-04-28. Review status: criteria provided, single submitter. Criteria: GeneDx Variant Classification (06012015). Collection method: clinical testing. Allele origin: germline. Affected: yes.
Comment: The P30L variant in the DISP1 gene has not been reported previously as a pathogenic variant, nor as a benign variant, to our knowledge. The P30L variant was not observed in approximately 6,500 individuals of European and African American ancestry in the NHLBI Exome Sequencing Project, indicating it is not a common benign variant in these populations. The P30L variant is a semi-conservative amino acid substitution, which may impact secondary protein structure as these residues differ in some properties. This substitution occurs at a position that is not conserved. In silico analysis is inconsistent in its predictions as to whether or not the variant is damaging to the protein structure/function. We interpret P30L as a variant of uncertain significance.